The following is an entry in ClinVar:

ClinVar aggregate classification (germline): Benign (0 of 4 stars; one submission).

Conditions:
PSORS1C1-related disorder. Also called: PSORS1C1-related condition.

Allele frequency attached by ClinVar (database versions not stated): 1000 Genomes Project 0.11202; ESP Exome Variant Server 0.11505; 1000 Genomes Project 30x 0.11571; gnomAD 0.12030; TOPMed 0.12341; ExAC 0.12430.
gnomAD v4.1: 165,122 of 1,612,958 alleles (10%); highest among the groups gnomAD compares: Admixed American, 20%; 9,966 homozygotes.

Submission:

PreventionGenetics, part of Exact Sciences
Classification: Benign for PSORS1C1-related condition. Last evaluated: 2019-11-06. Review status: no assertion criteria provided. Collection method: clinical testing. Allele origin: germline.
Comment: This variant is classified as benign based on ACMG/AMP sequence variant interpretation guidelines (Richards et al. 2015 PMID: 25741868, with internal and published modifications).

NM_014068.3(PSORS1C1):c.70C>A (p.Pro24Thr)

Genes: PSORS1C1 (psoriasis susceptibility 1 candidate 1; plus strand), PSORS1C2 (psoriasis susceptibility 1 candidate 2; minus strand). Cytogenetic location: 6p21.33.
Variant type: single nucleotide variant.
Coding change: c.70C>A on transcript NM_014068.3 (MANE Select); coding-DNA position 70, C replaced by A.
Protein change: p.Pro24Thr; replaces proline 24 with threonine.
Molecular consequence: missense variant. On other transcripts: intron variant (1).
Genome position (GRCh38, 1-based): chr6:31,138,682, C>A. VCF-style: chr6-31138682-C-A. GRCh37 (hg19) VCF-style: chr6-31106459-C-A.
Other names: c.55+290G>T (NM_014069.3); short protein forms P24T.
Identifiers: ClinVar variation 3059991 (VCV003059991.2), dbSNP rs1265097, ClinGen allele CA3708765.